The following is an entry in ClinVar:

ClinVar aggregate classification (germline): Likely benign (0 of 4 stars; one submission).

Conditions:
CORIN-related disorder. Also called: CORIN-related condition.

Allele frequency attached by ClinVar (database versions not stated): gnomAD exomes 0.00014; ExAC 0.00066; gnomAD 0.00195; 1000 Genomes Project 0.00220; TOPMed 0.00230; ESP Exome Variant Server 0.00261; 1000 Genomes Project 30x 0.00297.

Submission:

PreventionGenetics, part of Exact Sciences
Classification: Likely benign for CORIN-related condition. Last evaluated: 2019-08-26. Review status: no assertion criteria provided. Collection method: clinical testing. Allele origin: germline.
Comment: This variant is classified as likely benign based on ACMG/AMP sequence variant interpretation guidelines (Richards et al. 2015 PMID: 25741868, with internal and published modifications).

NM_006587.4(CORIN):c.379C>T (p.Leu127Phe)

Gene: CORIN (corin, serine peptidase; minus strand). Cytogenetic location: 4p12.
Variant type: single nucleotide variant.
Coding change: c.379C>T on transcript NM_006587.4 (MANE Select); coding-DNA position 379, C replaced by T.
Protein change: p.Leu127Phe; replaces leucine 127 with phenylalanine.
Molecular consequence: missense variant. On other transcripts: intron variant (1).
Genome position (GRCh38, 1-based): chr4:47,786,755, G>A on the plus strand (C>T on the coding strand, the complement: CORIN is on the minus strand). VCF-style: chr4-47786755-G-A. GRCh37 (hg19) VCF-style: chr4-47788772-G-A.
Other names: c.379C>T, p.Leu127Phe (NM_001278586.2); c.208+20148C>T (NM_001278585.2); short protein forms L127F.
Identifiers: ClinVar variation 3055925 (VCV003055925.2), dbSNP rs113461950, ClinGen allele CA2910051.